The following is an entry in ClinVar:

ClinVar aggregate classification (germline): Uncertain significance (1 of 4 stars; one submission).

Conditions:
Multiple endocrine neoplasia, type 2 (MEN2). Identifiers: Orphanet 653, MedGen C4048306, MONDO:0019003. Disease mechanism: gain of function.

Submission:

Labcorp Genetics (formerly Invitae), Labcorp
Classification: Uncertain significance for Multiple endocrine neoplasia, type 2. Last evaluated: 2024-02-27. Review status: criteria provided, single submitter. Criteria: Invitae Variant Classification Sherloc (09022015). Collection method: clinical testing. Allele origin: germline.
Comment: This sequence change replaces arginine, which is basic and polar, with leucine, which is neutral and non-polar, at codon 368 of the RET protein (p.Arg368Leu). This variant is not present in population databases (gnomAD no frequency). This variant has not been reported in the literature in individuals affected with RET-related conditions. An algorithm developed to predict the effect of missense changes on protein structure and function (PolyPhen-2) suggests that this variant is likely to be tolerated. In summary, the available evidence is currently insufficient to determine the role of this variant in disease. Therefore, it has been classified as a Variant of Uncertain Significance.

NM_020975.6(RET):c.1103G>T (p.Arg368Leu)

Gene: RET (ret proto-oncogene; plus strand). Cytogenetic location: 10q11.21.
Variant type: single nucleotide variant.
Coding change: c.1103G>T on transcript NM_020975.6 (MANE Select); coding-DNA position 1103, G replaced by T.
Protein change: p.Arg368Leu; replaces arginine 368 with leucine.
Molecular consequence: missense variant. On other transcripts: intron variant (18).
Genome position (GRCh38, 1-based): chr10:43,109,070, G>T. VCF-style: chr10-43109070-G-T. GRCh37 (hg19) VCF-style: chr10-43604518-G-T.
Other names: c.341G>T, p.Arg114Leu (NM_001355216.2); c.1103G>T, p.Arg368Leu (NM_001406743.1, NM_001406744.1, NM_001406759.1 and 4 more transcripts); c.974G>T, p.Arg325Leu (NM_001406761.1, NM_001406762.1, NM_001406764.1 and 1 more transcripts); c.377G>T, p.Arg126Leu (NM_001406776.1, NM_001406777.1, NM_001406778.1 and 1 more transcripts); c.113G>T, p.Arg38Leu (NM_001406784.1); c.868-2137G>T (NM_001406772.1, NM_001406769.1); c.626-3029G>T (NM_001406782.1, NM_001406780.1, NM_001406779.1 and 3 more transcripts); c.815G>T, p.Arg272Leu (NM_001406766.1, NM_001406767.1, NM_001406770.1); and 5 more; short protein forms R126L, R325L, R222L, R272L, R38L, R114L, R368L.
Identifiers: ClinVar variation 3670882 (VCV003670882.2).